The following is an entry in ClinVar:

ClinVar aggregate classification (germline): Uncertain significance (1 of 4 stars; one submission).

Conditions:
Hereditary cancer-predisposing syndrome. Also called: Hereditary Cancer Syndrome; Neoplastic Syndromes, Hereditary; Tumor predisposition; Hereditary neoplastic syndrome. Identifiers: Orphanet 140162, MedGen C0027672, MeSH D009386, MONDO:0015356.

Submission:

Ambry Genetics
Classification: Uncertain significance for Hereditary cancer-predisposing syndrome. Last evaluated: 2021-09-20. Review status: criteria provided, single submitter. Criteria: Ambry Variant Classification Scheme 2023. Collection method: clinical testing. Allele origin: germline.
Comment: The p.D1601N variant (also known as c.4801G>A), located in coding exon 33 of the SMARCA4 gene, results from a G to A substitution at nucleotide position 4801. The aspartic acid at codon 1601 is replaced by asparagine, an amino acid with highly similar properties. This amino acid position is well conserved in available vertebrate species. In addition, this alteration is predicted to be tolerated by in silico analysis. Missense and in-frame variants in SMARCA4 are known to cause neurodevelopmental disorders; however, such associations with rhabdoid tumor predisposition syndrome including small cell carcinoma of the ovary-hypercalcemic type (SCCOHT) are exceedingly rare (Kosho T et al. Am J Med Genet C Semin Med Genet. 2014 Sep;166C(3):262-75; Jelinic P et al. Nat Genet. 2014 May;46(5):424-6). Based on the supporting evidence, the association of this alteration with Coffin-Siris syndrome is unknown; however, the association of this alteration with rhabdoid tumor predisposition syndrome is unlikely.

NM_003072.5(SMARCA4):c.4705G>A (p.Asp1569Asn)

Gene: SMARCA4 (SWI/SNF related BAF chromatin remodeling complex subunit ATPase 4; plus strand). Cytogenetic location: 19p13.2.
Variant type: single nucleotide variant.
Coding change: c.4705G>A on transcript NM_003072.5 (MANE Select); coding-DNA position 4705, G replaced by A.
Protein change: p.Asp1569Asn; replaces aspartic acid 1569 with asparagine.
Molecular consequence: missense variant. On other transcripts: non-coding transcript variant (1).
Genome position (GRCh38, 1-based): chr19:11,059,822, G>A. VCF-style: chr19-11059822-G-A. GRCh37 (hg19) VCF-style: chr19-11170498-G-A.
Other names: c.4705G>A, p.Asp1569Asn (NM_001128844.3); c.4615G>A, p.Asp1539Asn (NM_001128845.2); c.4612G>A, p.Asp1538Asn (NM_001128846.2); c.4606G>A, p.Asp1536Asn (NM_001128847.4, NM_001374457.1); c.4603G>A, p.Asp1535Asn (NM_001128848.2); c.4801G>A, p.Asp1601Asn (NM_001128849.3, NM_001387283.1); c.4702G>A, p.Asp1568Asn (NM_001411150.1); short protein forms D1535N, D1538N, D1539N, D1601N, D1536N, D1568N, D1569N.
Identifiers: ClinVar variation 1743206 (VCV001743206.2), dbSNP rs2147114915, ClinGen allele CA404079468.